The following is an entry in ClinVar:

NM_002519.3(NPAT):c.1036A>C (p.Ser346Arg)

Gene: NPAT (nuclear protein, coactivator of histone transcription; minus strand). Cytogenetic location: 11q22.3.
Variant type: single nucleotide variant.
Coding change: c.1036A>C on transcript NM_002519.3 (MANE Select); coding-DNA position 1036, A replaced by C.
Protein change: p.Ser346Arg; replaces serine 346 with arginine.
Molecular consequence: missense variant.
Genome position (GRCh38, 1-based): chr11:108,176,342, T>G on the plus strand (A>C on the coding strand, the complement: NPAT is on the minus strand). VCF-style: chr11-108176342-T-G. GRCh37 (hg19) VCF-style: chr11-108047069-T-G.
Other names: c.1036A>C, p.Ser346Arg (NM_001321307.1); short protein forms S346R.
Identifiers: ClinVar variation 2587665 (VCV002587665.2), dbSNP rs2496725848, ClinGen allele CA382516968.

ClinVar aggregate classification (germline): Uncertain significance (1 of 4 stars; one submission).

Submission:

Ambry Genetics
Classification: Uncertain significance. Last evaluated: 2023-07-05. Review status: criteria provided, single submitter. Criteria: Ambry Variant Classification Scheme 2023. Collection method: clinical testing. Allele origin: germline.
Comment: The p.S346R variant (also known as c.1036A>C), located in coding exon 12 of the NPAT gene, results from an A to C substitution at nucleotide position 1036. The serine at codon 346 is replaced by arginine, an amino acid with dissimilar properties. This amino acid position is conserved. In addition, this alteration is predicted to be tolerated by in silico analysis. Since supporting evidence is limited at this time, the clinical significance of this alteration remains unclear.